The following is an entry in ClinVar:

ClinVar aggregate classification (germline): Uncertain significance (1 of 4 stars; one submission).

Conditions:
Neuropathy, hereditary sensory and autonomic, type 2A (HSAN2A). Also called: ACROOSTEOLYSIS, GIACCAI TYPE; ACROOSTEOLYSIS, NEUROGENIC; MORVAN DISEASE; NEUROPATHY, CONGENITAL SENSORY; NEUROPATHY, HEREDITARY SENSORY RADICULAR, AUTOSOMAL RECESSIVE; NEUROPATHY, HEREDITARY SENSORY, TYPE IIA. Identifiers: Orphanet 970, MedGen C2752089, MONDO:0024309, OMIM 201300.
Generalized epilepsy with febrile seizures plus, type 7 (GEFSP7). Also called: GEFS+, TYPE 7. Identifiers: Orphanet 36387, MedGen C2751778, MONDO:0013470, OMIM 613863.

Submission:

Labcorp Genetics (formerly Invitae), Labcorp
Classification: Uncertain significance for Neuropathy, hereditary sensory and autonomic, type 2A; Generalized epilepsy with febrile seizures plus, type 7. Last evaluated: 2023-06-02. Review status: criteria provided, single submitter. Criteria: Invitae Variant Classification Sherloc (09022015). Collection method: clinical testing. Allele origin: germline.
Comment: This sequence change replaces glycine, which is neutral and non-polar, with aspartic acid, which is acidic and polar, at codon 1050 of the SCN9A protein (p.Gly1050Asp). This variant is not present in population databases (gnomAD no frequency). This variant has not been reported in the literature in individuals affected with SCN9A-related conditions. Advanced modeling of protein sequence and biophysical properties (such as structural, functional, and spatial information, amino acid conservation, physicochemical variation, residue mobility, and thermodynamic stability) performed at Invitae indicates that this missense variant is not expected to disrupt SCN9A protein function. In summary, the available evidence is currently insufficient to determine the role of this variant in disease. Therefore, it has been classified as a Variant of Uncertain Significance.

NM_001365536.1(SCN9A):c.3182G>A (p.Gly1061Asp)

Genes: SCN1A-AS1 (SCN1A and SCN9A antisense RNA 1; plus strand), SCN9A (sodium voltage-gated channel alpha subunit 9; minus strand). Cytogenetic location: 2q24.3.
Variant type: single nucleotide variant.
Coding change: c.3182G>A on transcript NM_001365536.1 (MANE Select); coding-DNA position 3182, G replaced by A.
Protein change: p.Gly1061Asp; replaces glycine 1061 with aspartic acid.
Molecular consequence: missense variant.
Genome position (GRCh38, 1-based): chr2:166,272,568, C>T on the plus strand (G>A on the coding strand, the complement: SCN9A is on the minus strand). VCF-style: chr2-166272568-C-T. GRCh37 (hg19) VCF-style: chr2-167129078-C-T.
Other names: c.3149G>A, p.Gly1050Asp (NM_002977.4); short protein forms G1050D, G1061D.
Identifiers: ClinVar variation 2936940 (VCV002936940.3), dbSNP rs2467983741, ClinGen allele CA349073337.